The following is an entry in ClinVar:

NM_002834.5(PTPN11):c.525+6T>C

Gene: PTPN11 (protein tyrosine phosphatase non-receptor type 11; plus strand). Cytogenetic location: 12q24.13.
Variant type: single nucleotide variant.
Coding change: c.525+6T>C on transcript NM_002834.5 (MANE Select); 6 bases into the intron after coding-DNA position 525, T replaced by C.
Molecular consequence: intron variant.
Genome position (GRCh38, 1-based): chr12:112,453,393, T>C. VCF-style: chr12-112453393-T-C. GRCh37 (hg19) VCF-style: chr12-112891197-T-C.
Other names: c.525+6T>C (NM_001330437.2, NM_080601.3); c.522+6T>C (NM_001374625.1).
Identifiers: ClinVar variation 2890233 (VCV002890233.3), dbSNP rs370878456, ClinGen allele CA243708220.

ClinVar aggregate classification (germline): Uncertain significance (1 of 4 stars; one submission).

Conditions:
RASopathy. Also called: Noonan spectrum disorder; rasopathies. Identifiers: Orphanet 536391, MedGen C5555857, MONDO:0021060.

Allele frequency attached by ClinVar (database versions not stated): TOPMed below 0.00001; gnomAD 0.00001; ESP Exome Variant Server 0.00008.
gnomAD v4.1: 16 of 1,613,712 alleles (0.00099%); highest among the groups gnomAD compares: African/African-American, 0.0013%; no homozygotes.

Submission:

Labcorp Genetics (formerly Invitae), Labcorp
Classification: Uncertain significance for RASopathy. Last evaluated: 2025-12-15. Review status: criteria provided, single submitter. Criteria: Invitae Variant Classification Sherloc (09022015). Collection method: clinical testing. Allele origin: germline.
Comment: This sequence change falls in intron 4 of the PTPN11 gene. It does not directly change the encoded amino acid sequence of the PTPN11 protein. It affects a nucleotide within the consensus splice site. This variant is present in population databases (rs370878456, gnomAD 0.0009%). This variant has not been reported in the literature in individuals affected with PTPN11-related conditions. ClinVar contains an entry for this variant (Variation ID: 2890233). Variants that disrupt the consensus splice site are a relatively common cause of aberrant splicing (PMID: 17576681, 9536098). Algorithms developed to predict the effect of sequence changes on RNA splicing suggest that this variant is not likely to affect RNA splicing. In summary, the available evidence is currently insufficient to determine the role of this variant in disease. Therefore, it has been classified as a Variant of Uncertain Significance.

Literature cited by the submitters: PubMed 17576681; PubMed 9536098.